The following is an entry in ClinVar:

ClinVar aggregate classification (germline): Uncertain significance. Review status: criteria provided, multiple submitters, no conflicts (2 of 4 stars). 2 submissions from 2 submitters: Uncertain significance (2). Last evaluated 2025-10-23.

Conditions:
Inborn genetic diseases. Identifiers: MedGen C0950123, MeSH D030342.

Allele frequency attached by ClinVar (database versions not stated): gnomAD exomes below 0.00001; TOPMed 0.00001; ExAC 0.00002; gnomAD 0.00003; ESP Exome Variant Server 0.00008.

Submissions (2):

Ambry Genetics
Classification: Uncertain significance for Inborn genetic diseases. Last evaluated: 2025-10-23. Review status: criteria provided, single submitter. Criteria: Ambry Variant Classification Scheme 2023. Collection method: clinical testing. Allele origin: germline.

Labcorp Genetics (formerly Invitae), Labcorp
Classification: Uncertain significance. Last evaluated: 2023-05-09. Review status: criteria provided, single submitter. Criteria: Invitae Variant Classification Sherloc (09022015). Collection method: clinical testing. Allele origin: germline.
Comment: In summary, the available evidence is currently insufficient to determine the role of this variant in disease. Therefore, it has been classified as a Variant of Uncertain Significance. Advanced modeling of protein sequence and biophysical properties (such as structural, functional, and spatial information, amino acid conservation, physicochemical variation, residue mobility, and thermodynamic stability) performed at Invitae indicates that this missense variant is not expected to disrupt NEFH protein function. ClinVar contains an entry for this variant (Variation ID: 2419503). This variant has not been reported in the literature in individuals affected with NEFH-related conditions. This variant is present in population databases (rs372160413, gnomAD 0.01%). This sequence change replaces lysine, which is basic and polar, with threonine, which is neutral and polar, at codon 902 of the NEFH protein (p.Lys902Thr).

NM_021076.4(NEFH):c.2705A>C (p.Lys902Thr)

Gene: NEFH (neurofilament heavy chain; plus strand). Cytogenetic location: 22q12.2.
Variant type: single nucleotide variant.
Coding change: c.2705A>C on transcript NM_021076.4 (MANE Select); coding-DNA position 2705, A replaced by C.
Protein change: p.Lys902Thr; replaces lysine 902 with threonine.
Molecular consequence: missense variant.
Genome position (GRCh38, 1-based): chr22:29,490,345, A>C. VCF-style: chr22-29490345-A-C. GRCh37 (hg19) VCF-style: chr22-29886334-A-C.
Other names: c.2705A>C (NM_021076.3); short protein forms K902T.
Identifiers: ClinVar variation 2419503 (VCV002419503.7), dbSNP rs372160413, ClinGen allele CA10174476.
Genomic context (GRCh38, chr22:29,490,345, plus strand): 5'-TCGAAAAGCCCAAAGAATCCAAAGTTGAAGCCAAGAAGGAAGAGGCTGAAGATAAGAAAA[A>C]AGTCCCCACCCCAGAGAAGGAGGCTCCTGCCAAGGTGGAGGTGAAGGAAGACGCTAAACC-3'
Protein context (NP_066554.2, residues 892-912): AKKEEAEDKK[Lys902Thr]VPTPEKEAPA